The following is an entry in ClinVar:

NM_000038.6(APC):c.8298C>T (p.Ser2766=)

Gene: APC (APC regulator of Wnt signaling pathway; plus strand). Cytogenetic location: 5q22.2.
Variant type: single nucleotide variant.
Coding change: c.8298C>T on transcript NM_000038.6 (MANE Select); coding-DNA position 8298, C replaced by T.
Protein change: p.Ser2766=; no amino-acid change (serine 2766 retained).
Molecular consequence: synonymous variant.
Genome position (GRCh38, 1-based): chr5:112,843,892, C>T. VCF-style: chr5-112843892-C-T. GRCh37 (hg19) VCF-style: chr5-112179589-C-T.
Other names: c.8298C>T, p.Ser2766= (NM_001127510.3, NM_001354895.2); c.8244C>T, p.Ser2748= (NM_001127511.3); c.8352C>T, p.Ser2784= (NM_001354896.2); c.8328C>T, p.Ser2776= (NM_001354897.2); c.8223C>T, p.Ser2741= (NM_001354898.2); c.8214C>T, p.Ser2738= (NM_001354899.2); c.8175C>T, p.Ser2725= (NM_001354900.2); c.8121C>T, p.Ser2707= (NM_001354901.2); and 5 more.
Identifiers: ClinVar variation 230359 (VCV000230359.24), dbSNP rs876658523, ClinGen allele CA10578463.

ClinVar aggregate classification (germline): Conflicting classifications of pathogenicity. Review status: criteria provided, conflicting classifications (1 of 4 stars). 7 submissions from 7 submitters: Uncertain significance (1); Benign (2); Likely benign (4). Last evaluated 2025-10-20.

Conditions:
Hereditary cancer-predisposing syndrome. Also called: Neoplastic Syndromes, Hereditary; Tumor predisposition; Hereditary Cancer Syndrome; Hereditary neoplastic syndrome. Identifiers: Orphanet 140162, MedGen C0027672, MeSH D009386, MONDO:0015356.
Familial adenomatous polyposis 1 (FAP1). Also called: FAMILIAL ADENOMATOUS POLYPOSIS 1, ATTENUATED; POLYPOSIS, ADENOMATOUS INTESTINAL. Identifiers: MedGen C2713442, MONDO:0021056, OMIM 175100. Disease mechanism: loss of function.
Classic or attenuated familial adenomatous polyposis. Identifiers: MedGen CN372698, MONDO:0021057.
APC-Associated Polyposis Disorders.

Allele frequency attached by ClinVar (database versions not stated): TOPMed below 0.00001; gnomAD 0.00001; gnomAD exomes 0.00001.
gnomAD v4.1: 12 of 1,613,790 alleles (0.00074%); highest among the groups gnomAD compares: Admixed American, 0.0017%; no homozygotes.

Submissions (7):

Labcorp Genetics (formerly Invitae), Labcorp
Classification: Likely benign for Familial adenomatous polyposis 1. Last evaluated: 2025-10-20. Review status: criteria provided, single submitter. Criteria: Invitae Variant Classification Sherloc (09022015). Collection method: clinical testing. Allele origin: germline.

All of Us Research Program, National Institutes of Health
Classification: Likely benign for Classic or attenuated familial adenomatous polyposis. Last evaluated: 2024-08-13. Review status: criteria provided, single submitter. Criteria: ACMG Guidelines, 2015. Collection method: clinical testing. Allele origin: germline. Inheritance: Autosomal dominant inheritance. Observed: 2 variant alleles, 2 heterozygotes.
Comment: This study involves interpretation of variants in research participants for the purpose of population health screening. Participant phenotype was not available at the time of variant classification. Additional details can be found in publication PMID: 35346344, PMCID: PMC8962531

Myriad Genetics, Inc.
Classification: Benign for Familial adenomatous polyposis 1. Last evaluated: 2024-04-15. Review status: criteria provided, single submitter. Criteria: Myriad Autosomal Dominant, Autosomal Recessive and X-Linked Classification Criteria (2023). Collection method: clinical testing. Allele origin: unknown.
Comment: This variant is considered benign. This variant is a silent/synonymous amino acid change and it is not expected to impact splicing.

Illumina Laboratory Services, Illumina
Classification: Uncertain significance for APC-Associated Polyposis Disorders. Last evaluated: 2018-01-13. Review status: criteria provided, single submitter. Criteria: ICSL Variant Classification Criteria 13 December 2019. Collection method: clinical testing. Allele origin: germline.

Color Diagnostics, LLC DBA Color Health
Classification: Likely benign for Hereditary cancer-predisposing syndrome. Last evaluated: 2017-02-21. Review status: criteria provided, single submitter. Criteria: ACMG Guidelines, 2015. Collection method: clinical testing. Allele origin: germline.

GeneDx
Classification: Benign. Last evaluated: 2015-08-27. Review status: criteria provided, single submitter. Criteria: GeneDx Variant Classification Process June 2021. Collection method: clinical testing. Allele origin: germline. Affected: yes.

Ambry Genetics
Classification: Likely benign for Hereditary cancer-predisposing syndrome. Last evaluated: 2015-01-27. Review status: criteria provided, single submitter. Criteria: Ambry Variant Classification Scheme 2023. Collection method: clinical testing. Allele origin: germline.